The following is an entry in ClinVar:

NM_000175.5(GPI):c.1039C>T (p.Arg347Cys)

Gene: GPI (glucose-6-phosphate isomerase; plus strand). Cytogenetic location: 19q13.11.
Variant type: single nucleotide variant.
Coding change: c.1039C>T on transcript NM_000175.5 (MANE Select); coding-DNA position 1039, C replaced by T.
Protein change: p.Arg347Cys; replaces arginine 347 with cysteine.
Molecular consequence: missense variant.
Genome position (GRCh38, 1-based): chr19:34,394,043, C>T. VCF-style: chr19-34394043-C-T. GRCh37 (hg19) VCF-style: chr19-34884948-C-T.
Other names: c.1072C>T, p.Arg358Cys (NM_001184722.1); c.1156C>T, p.Arg386Cys (NM_001289789.1); c.955C>T, p.Arg319Cys (NM_001289790.3); c.1039C>T, p.Arg347Cys (NM_001329909.1, NM_001329910.1, NM_001329911.2); short protein forms R319C, R347C, R358C, R386C.
Identifiers: ClinVar variation 1679425 (VCV001679425.11), dbSNP rs758132799, ClinGen allele CA9367319.
Genomic context (GRCh38, chr19:34,394,043, plus strand): 5'-TACATCAACTGCTTTGGGTGTGAGACACACGCCATGCTGCCCTATGACCAGTACCTGCAC[C>T]GCTTTGCTGCGTACTTCCAGCAGGTACCAGCTGCCAAGCCAGGCCTTGGAGTCAGCAAGA-3'
Protein context (NP_000166.2, residues 337-357): AMLPYDQYLH[Arg347Cys]FAAYFQQGDM

ClinVar aggregate classification (germline): Pathogenic/Likely pathogenic. Review status: criteria provided, multiple submitters, no conflicts (2 of 4 stars). 3 submissions from 3 submitters: Pathogenic (2); Likely pathogenic (1). Last evaluated 2025-04-22.

Conditions:
Hemolytic anemia due to glucophosphate isomerase deficiency (CNSHA4). Also called: ANEMIA, CONGENITAL, NONSPHEROCYTIC HEMOLYTIC, 4. Identifiers: Orphanet 712, MedGen C0272064, MONDO:0013275, OMIM 613470.

Allele frequency attached by ClinVar (database versions not stated): ExAC 0.00003; gnomAD 0.00004 and 0.00003; gnomAD exomes 0.00002; TOPMed 0.00003.
gnomAD v4.1: 31 of 1,612,304 alleles (0.0019%); highest among the groups gnomAD compares: African/African-American, 0.0053%; no homozygotes.

Submissions (3):

Labcorp Genetics (formerly Invitae), Labcorp
Classification: Pathogenic. Last evaluated: 2025-04-22. Review status: criteria provided, single submitter. Criteria: Invitae Variant Classification Sherloc (09022015). Collection method: clinical testing. Allele origin: germline.
Comment: This sequence change replaces arginine, which is basic and polar, with cysteine, which is neutral and slightly polar, at codon 347 of the GPI protein (p.Arg347Cys). This variant is present in population databases (rs758132799, gnomAD 0.005%). This missense change has been observed in individual(s) with glucose-6-phosphate isomerase deficiency (PMID: 7989588, 9266190). In at least one individual the data is consistent with being in trans (on the opposite chromosome) from a pathogenic variant. ClinVar contains an entry for this variant (Variation ID: 1679425). Invitae Evidence Modeling of protein sequence and biophysical properties (such as structural, functional, and spatial information, amino acid conservation, physicochemical variation, residue mobility, and thermodynamic stability) indicates that this missense variant is expected to disrupt GPI protein function with a positive predictive value of 95%. Experimental studies have shown that this missense change affects GPI function (PMID: 19064002). For these reasons, this variant has been classified as Pathogenic.

Revvity Omics, Revvity
Classification: Likely pathogenic for Hemolytic anemia due to glucophosphate isomerase deficiency. Last evaluated: 2024-09-19. Review status: criteria provided, single submitter. Criteria: ACMG Guidelines, 2015. Collection method: clinical testing. Allele origin: germline.

ARUP Laboratories, Molecular Genetics and Genomics, ARUP Laboratories
Classification: Pathogenic for Hemolytic anemia due to glucophosphate isomerase deficiency. Last evaluated: 2022-02-02. Review status: criteria provided, single submitter. Criteria: ARUP Molecular Germline Variant Investigation Process 2021. Collection method: clinical testing. Allele origin: germline.

Literature cited by the submitters: PubMed 7989588 (cited by Labcorp Genetics (formerly Invitae), Labcorp); PubMed 9266190 (cited by Labcorp Genetics (formerly Invitae), Labcorp); PubMed 19064002 (cited by Labcorp Genetics (formerly Invitae), Labcorp).